The following is an entry in ClinVar:

NM_001253852.3(AP4B1):c.1328T>C (p.Leu443Pro)

Genes: AP4B1 (adaptor related protein complex 4 subunit beta 1; minus strand), AP4B1-AS1 (AP4B1 antisense RNA 1; plus strand). Cytogenetic location: 1p13.2.
Variant type: single nucleotide variant.
Coding change: c.1328T>C on transcript NM_001253852.3 (MANE Select); coding-DNA position 1328, T replaced by C.
Protein change: p.Leu443Pro; replaces leucine 443 with proline.
Molecular consequence: missense variant.
Genome position (GRCh38, 1-based): chr1:113,896,440, A>G on the plus strand (T>C on the coding strand, the complement: AP4B1 is on the minus strand). VCF-style: chr1-113896440-A-G. GRCh37 (hg19) VCF-style: chr1-114439062-A-G.
Other names: c.1031T>C, p.Leu344Pro (NM_001253853.3); c.824T>C, p.Leu275Pro (NM_001308312.2); c.1328T>C, p.Leu443Pro (NM_006594.5); short protein forms L443P, L275P, L344P.
Identifiers: ClinVar variation 389026 (VCV000389026.5), dbSNP rs746890435, ClinGen allele CA1015809.
Genomic context (GRCh38, chr1:113,896,440, plus strand): 5'-TTCTCAACAAAGTCCTCTAACACATAAGGAGCATTAGGAATTCTTTCCCCATGGACACCA[A>G]GTAGCCAAATAAGTGCTTGCTTCCCCTAGAGAATAAAGGAATAAGAGCAAGTGCTCAACA-3'
Protein context (NP_001240781.1, residues 433-453): SEGKQALIWL[Leu443Pro]GVHGERIPNA

ClinVar aggregate classification (germline): Likely pathogenic. Review status: criteria provided, single submitter (1 of 4 stars). 2 submissions from 2 submitters: Likely pathogenic (1). 1 of the submissions does not count toward it. Last evaluated 2025-08-05.

Conditions:
Spastic paraplegia. Identifiers: MedGen C0037772, HP:0001258.

Allele frequency attached by ClinVar (database versions not stated): gnomAD exomes below 0.00001; ExAC 0.00001.
gnomAD v4.1: 4 of 1,614,240 alleles (0.00025%); highest among the groups gnomAD compares: Non-Finnish European, 0.00034%; no homozygotes.

Submissions (2):

GeneDx
Classification: Likely pathogenic. Last evaluated: 2025-08-05. Review status: criteria provided, single submitter. Criteria: GeneDx Variant Classification Process June 2021. Collection method: clinical testing. Allele origin: germline. Affected: yes.
Comment: Not observed at significant frequency in large population cohorts (gnomAD); Functional studies using patient cells suggest a damaging effect, although comparison to wildtype controls was not available (PMID: 31525725, 31915823); In silico analysis supports that this missense variant has a deleterious effect on protein structure/function; This variant is associated with the following publications: (PMID: 31525725, 29193663, 32285480, 34729478, 36122674, 35217685, 31915823)

Yale Center for Mendelian Genomics, Yale University
Classification: Likely pathogenic for Spastic paraplegia. Last evaluated: 2020-10-01. Review status: no assertion criteria provided. Collection method: literature only. Allele origin: germline. Affected: yes. Observed: 2 compound heterozygotes. Study: Yale Center for Mendelian Genomics. Not counted in ClinVar's aggregate classification.

Literature cited by the submitters: PubMed 32979048 (cited by Yale Center for Mendelian Genomics, Yale University).